The following is an entry in ClinVar:

ClinVar aggregate classification (germline): Conflicting classifications of pathogenicity. Review status: criteria provided, conflicting classifications (1 of 4 stars). 2 submissions from 2 submitters: Uncertain significance (1); Likely benign (1). Last evaluated 2026-04-01.

Conditions:
Townes-Brocks syndrome 1 (TBS1). Also called: DEAFNESS, SENSORINEURAL, WITH IMPERFORATE ANUS AND THUMB ANOMALIES; REAR SYNDROME; RENAL-EAR-ANAL-RADIAL SYNDROME; SALL1-Related Townes-Brocks Syndrome. Identifiers: Orphanet 857, MedGen C4551481, MONDO:0054581, OMIM 107480.

Submissions (2):

GeneDx
Classification: Uncertain significance. Last evaluated: 2026-04-01. Review status: criteria provided, single submitter. Criteria: GeneDx Variant Classification Process June 2021. Collection method: clinical testing. Allele origin: germline.
Comment: Not observed at significant frequency in large population cohorts (gnomAD); In-frame duplication of 5 amino acid(s) in a repetitive region with no known function; Observed in the heterozygous state in a patient with global developmental delay, club foot, and dysmorphic features in published literature (PMID: 28600779); This variant is associated with the following publications: (PMID: 28600779)

Genomic Medicine Center of Excellence, King Faisal Specialist Hospital and Research Centre
Classification: Likely benign for Townes-Brocks syndrome 1. Last evaluated: 2025-09-10. Review status: criteria provided, single submitter. Criteria: ACMG Guidelines, 2015. Collection method: clinical testing. Allele origin: germline.

NM_002968.3(SALL1):c.448AGC[15] (p.Ser159_Gly160insSerSerSerSerSer)

Gene: SALL1 (spalt like transcription factor 1; minus strand). Cytogenetic location: 16q12.1.
Variant type: Microsatellite.
Coding change: c.448AGC[15] on transcript NM_002968.3 (MANE Select); 15 copies in a row of the 3-base unit AGC starting at c.448; the reference has ten copies in a row; five copies, 15 bases duplicated; also written c.463_477dup.
Protein change: p.Ser159_Gly160insSerSerSerSerSer.
Molecular consequence: inframe indel (on NM_002968.2).
Genome position (GRCh38, 1-based): chr16:51,141,745-51,141,759, GCTGCTGCTGCTGCT duplicated on the plus strand (AGCAGCAGCAGCAGC on the coding strand, the reverse complement: SALL1 is on the minus strand); duplicating any 15 consecutive bases within chr16:51,141,745-51,141,774 gives the same sequence; the position shown is the placement nearest the transcript's 3' end. VCF-style (leftmost placement, unchanged base first): chr16-51141744-C-CGCTGCTGCTGCTGCT. GRCh37 (hg19) VCF-style: chr16-51175655-C-CGCTGCTGCTGCTGCT.
Other names: c.463_477dup (NM_002968.2, NM_002968.3); c.157AGC[15], p.Ser62_Gly63insSerSerSerSerSer (NM_001127892.2); c.448_450AGC[15], p.Ser159_Gly160insSerSerSerSerSer (NM_002968.2).
Identifiers: ClinVar variation 4278435 (VCV004278435.2).